The following is an entry in ClinVar:

ClinVar aggregate classification (germline): Uncertain significance. Review status: criteria provided, multiple submitters, no conflicts (2 of 4 stars). 3 submissions from 3 submitters: Uncertain significance (3). Last evaluated 2026-01-26.

Conditions:
Age related macular degeneration 1 (ARMD1). Also called: MACULOPATHY, AGE-RELATED, 1. Identifiers: MedGen C1864205, MONDO:0011285, OMIM 603075.

Allele frequency attached by ClinVar (database versions not stated): gnomAD 0.00007 and 0.00008; ESP Exome Variant Server 0.00008; gnomAD exomes 0.00009; TOPMed 0.00010; ExAC 0.00013.
gnomAD v4.1: 144 of 1,613,944 alleles (0.0089%); highest among the groups gnomAD compares: Non-Finnish European, 0.012%; 1 homozygote.

Submissions (3):

Labcorp Genetics (formerly Invitae), Labcorp
Classification: Uncertain significance. Last evaluated: 2026-01-26. Review status: criteria provided, single submitter. Criteria: Invitae Variant Classification Sherloc (09022015). Collection method: clinical testing. Allele origin: germline.
Comment: This sequence change replaces cysteine, which is neutral and slightly polar, with tryptophan, which is neutral and slightly polar, at codon 4625 of the HMCN1 protein (p.Cys4625Trp). This variant is present in population databases (rs371095992, gnomAD 0.02%). This variant has not been reported in the literature in individuals affected with HMCN1-related conditions. ClinVar contains an entry for this variant (Variation ID: 1520333). An algorithm developed to predict the effect of missense changes on protein structure and function (PolyPhen-2) suggests that this variant is likely to be disruptive. Algorithms developed to predict the effect of sequence changes on RNA splicing suggest that this variant may disrupt the consensus splice site. In summary, the available evidence is currently insufficient to determine the role of this variant in disease. Therefore, it has been classified as a Variant of Uncertain Significance.

Ambry Genetics
Classification: Uncertain significance. Last evaluated: 2023-06-26. Review status: criteria provided, single submitter. Criteria: Ambry Variant Classification Scheme 2023. Collection method: clinical testing. Allele origin: germline.

Genome-Nilou Lab
Classification: Uncertain significance for Age related macular degeneration 1. Last evaluated: 2023-04-11. Review status: criteria provided, single submitter. Criteria: ACMG Guidelines, 2015. Collection method: clinical testing. Allele origin: germline. Affected: no.

NM_031935.3(HMCN1):c.13875T>G (p.Cys4625Trp)

Gene: HMCN1 (hemicentin 1; plus strand). Cytogenetic location: 1q31.1.
Variant type: single nucleotide variant.
Coding change: c.13875T>G on transcript NM_031935.3 (MANE Select); coding-DNA position 13875, T replaced by G.
Protein change: p.Cys4625Trp; replaces cysteine 4625 with tryptophan.
Molecular consequence: missense variant.
Genome position (GRCh38, 1-based): chr1:186,137,923, T>G. VCF-style: chr1-186137923-T-G. GRCh37 (hg19) VCF-style: chr1-186107055-T-G.
Other names: c.13875T>G (NM_031935.2); short protein forms C4625W.
Identifiers: ClinVar variation 1520333 (VCV001520333.8), dbSNP rs371095992, ClinGen allele CA1294783.
Genomic context (GRCh38, chr1:186,137,923, plus strand): 5'-CAACCAAACCAGGACCAGGACTTGCAATAATCCATCAGTTCAGCATGGTGGGCGGCCATG[T>G]GAAGGGAATGCTGTGGAAATAATTATGTGCAACATTAGGCCTTGCCCAGGTGAGAAACCA-3'
Protein context (NP_114141.2, residues 4615-4635): NPSVQHGGRP[Cys4625Trp]EGNAVEIIMC